The following is an entry in ClinVar:

ClinVar aggregate classification (germline): Uncertain significance (1 of 4 stars; one submission).

Allele frequency attached by ClinVar (database versions not stated): gnomAD exomes below 0.00001; TOPMed below 0.00001; gnomAD 0.00001.
gnomAD v4.1: 5 of 1,613,150 alleles (0.00031%); highest among the groups gnomAD compares: Non-Finnish European, 0.00042%; no homozygotes.

Submission:

Ambry Genetics
Classification: Uncertain significance. Last evaluated: 2024-08-01. Review status: criteria provided, single submitter. Criteria: Ambry Variant Classification Scheme 2023. Collection method: clinical testing. Allele origin: germline.
Comment: The p.E1413K variant (also known as c.4237G>A), located in coding exon 16 of the POLQ gene, results from a G to A substitution at nucleotide position 4237. The glutamic acid at codon 1413 is replaced by lysine, an amino acid with similar properties. This amino acid position is conserved. In addition, this alteration is predicted to be tolerated by in silico analysis. Since supporting evidence is limited at this time, the clinical significance of this alteration remains unclear.

NM_199420.4(POLQ):c.4237G>A (p.Glu1413Lys)

Gene: POLQ (DNA polymerase theta; minus strand). Cytogenetic location: 3q13.33.
Variant type: single nucleotide variant.
Coding change: c.4237G>A on transcript NM_199420.4 (MANE Select); coding-DNA position 4237, G replaced by A.
Protein change: p.Glu1413Lys; replaces glutamic acid 1413 with lysine.
Molecular consequence: missense variant.
Genome position (GRCh38, 1-based): chr3:121,488,694, C>T on the plus strand (G>A on the coding strand, the complement: POLQ is on the minus strand). VCF-style: chr3-121488694-C-T. GRCh37 (hg19) VCF-style: chr3-121207541-C-T.
Other names: short protein forms E1413K.
Identifiers: ClinVar variation 1738948 (VCV001738948.3), dbSNP rs1304848625, ClinGen allele CA354095663.